The following is an entry in ClinVar:

ClinVar aggregate classification (germline): Uncertain significance. Review status: criteria provided, multiple submitters, no conflicts (2 of 4 stars). 3 submissions from 3 submitters: Uncertain significance (3). Last evaluated 2025-08-24.

Conditions:
FG syndrome (FGS). Identifiers: MedGen C0220769, MONDO:0002010.
Familial thoracic aortic aneurysm and aortic dissection (TAAD). Also called: Thoracic aortic aneurysms and dissections. Identifiers: Orphanet 91387, MedGen C4707243, MONDO:0019625.

gnomAD v4.1: 3 of 1,211,291 alleles (0.00025%); highest among the groups gnomAD compares: Non-Finnish European, 0.00034%; no homozygotes.

Submissions (3):

Ambry Genetics
Classification: Uncertain significance for Familial thoracic aortic aneurysm and aortic dissection. Last evaluated: 2025-08-24. Review status: criteria provided, single submitter. Criteria: Ambry Variant Classification Scheme 2023. Collection method: clinical testing. Allele origin: germline.

GeneDx
Classification: Uncertain significance. Last evaluated: 2025-08-12. Review status: criteria provided, single submitter. Criteria: GeneDx Variant Classification Process June 2021. Collection method: clinical testing. Allele origin: germline. Affected: yes.
Comment: Not observed at significant frequency in large population cohorts (gnomAD); In silico analysis supports that this missense variant has a deleterious effect on protein structure/function; Has not been previously published as pathogenic or benign to our knowledge

Labcorp Genetics (formerly Invitae), Labcorp
Classification: Uncertain significance for FG syndrome. Last evaluated: 2025-04-29. Review status: criteria provided, single submitter. Criteria: Invitae Variant Classification Sherloc (09022015). Collection method: clinical testing. Allele origin: germline.
Comment: This sequence change replaces arginine, which is basic and polar, with cysteine, which is neutral and slightly polar, at codon 1174 of the MED12 protein (p.Arg1174Cys). This variant is not present in population databases (gnomAD no frequency). This variant has not been reported in the literature in individuals affected with MED12-related conditions. Invitae Evidence Modeling of protein sequence and biophysical properties (such as structural, functional, and spatial information, amino acid conservation, physicochemical variation, residue mobility, and thermodynamic stability) has been performed for this missense variant. However, the output from this modeling did not meet the statistical confidence thresholds required to predict the impact of this variant on MED12 protein function. In summary, the available evidence is currently insufficient to determine the role of this variant in disease. Therefore, it has been classified as a Variant of Uncertain Significance.

NM_005120.3(MED12):c.3520C>T (p.Arg1174Cys)

Gene: MED12 (mediator complex subunit 12; plus strand). Cytogenetic location: Xq13.1.
Variant type: single nucleotide variant.
Coding change: c.3520C>T on transcript NM_005120.3 (MANE Select); coding-DNA position 3520, C replaced by T.
Protein change: p.Arg1174Cys; replaces arginine 1174 with cysteine.
Molecular consequence: missense variant.
Genome position (GRCh38, 1-based): chrX:71,129,158, C>T. VCF-style: chrX-71129158-C-T. GRCh37 (hg19) VCF-style: chrX-70349008-C-T.
Other names: short protein forms R1174C.
Identifiers: ClinVar variation 4106000 (VCV004106000.3).
Genomic context (GRCh38, chrX:71,129,158, plus strand): 5'-TTTGTCTTCCTTTTAGCTTGTAGTGAACAGGACTCTGAGCCAGGGGCCCGGCTTACCTGC[C>T]GCATCCTCCTTCACCTTTTCAAGACACCGCAGCTCAATCCTTGCCAGTCTGATGGAAGTA-3'
Protein context (NP_005111.2, residues 1164-1184): DSEPGARLTC[Arg1174Cys]ILLHLFKTPQ